The following is an entry in ClinVar:

ClinVar aggregate classification (germline): Uncertain significance (1 of 4 stars; one submission).

Allele frequency attached by ClinVar (database versions not stated): gnomAD 0.00001; TOPMed 0.00001.

Submission:

Labcorp Genetics (formerly Invitae), Labcorp
Classification: Uncertain significance. Last evaluated: 2023-06-30. Review status: criteria provided, single submitter. Criteria: Invitae Variant Classification Sherloc (09022015). Collection method: clinical testing. Allele origin: germline.
Comment: This sequence change replaces glycine, which is neutral and non-polar, with serine, which is neutral and polar, at codon 1363 of the SBF1 protein (p.Gly1363Ser). This variant is not present in population databases (gnomAD no frequency). This variant has not been reported in the literature in individuals affected with SBF1-related conditions. ClinVar contains an entry for this variant (Variation ID: 1462751). An algorithm developed to predict the effect of missense changes on protein structure and function (PolyPhen-2) suggests that this variant is likely to be disruptive. In summary, the available evidence is currently insufficient to determine the role of this variant in disease. Therefore, it has been classified as a Variant of Uncertain Significance.

NM_002972.4(SBF1):c.4087G>A (p.Gly1363Ser)

Gene: SBF1 (SET binding factor 1; minus strand). Cytogenetic location: 22q13.33.
Variant type: single nucleotide variant.
Coding change: c.4087G>A on transcript NM_002972.4 (MANE Select); coding-DNA position 4087, G replaced by A.
Protein change: p.Gly1363Ser; replaces glycine 1363 with serine.
Molecular consequence: missense variant.
Genome position (GRCh38, 1-based): chr22:50,456,395, C>T on the plus strand (G>A on the coding strand, the complement: SBF1 is on the minus strand). VCF-style: chr22-50456395-C-T. GRCh37 (hg19) VCF-style: chr22-50894824-C-T.
Other names: c.4012G>A, p.Gly1338Ser (NM_001365819.1); short protein forms G1363S, G1338S.
Identifiers: ClinVar variation 1462751 (VCV001462751.6), dbSNP rs1012773905, ClinGen allele CA325528803.